The following is an entry in ClinVar:

NM_001042492.3(NF1):c.1541_1542del (p.Gln514fs)

Gene: NF1 (neurofibromin 1; plus strand). Cytogenetic location: 17q11.2.
Variant type: Deletion.
Coding change: c.1541_1542del on transcript NM_001042492.3 (MANE Select); coding-DNA positions 1541 to 1542, 2 bases deleted (AG; older notation c.1541_1542delAG).
Protein change: p.Gln514fs; shifts the reading frame from glutamine 514.
Molecular consequence: frameshift variant.
Genome position (GRCh38, 1-based): chr17:31,219,018-31,219,019, AG deleted. VCF-style (leftmost placement, unchanged base first): chr17-31219017-CAG-C. GRCh37 (hg19) VCF-style: chr17-29546035-CAG-C.
Other names: p.Gln514Argfs*43; p.(Gln514Argfs*43); c.1541_1542delAG (NM_000267.3); c.1541_1542delAG, p.Gln514Argfs (NM_000267.4); c.1541_1542del, p.Gln514fs (NM_001128147.3); short protein forms Q514fs.
Identifiers: ClinVar variation 346 (VCV000000346.109), dbSNP rs267606600, ClinGen allele CA190564.
Genomic context (GRCh38, chr17:31,219,017, plus strand): 5'-CTCGATTTATTTATTTTTTTAATTGAAGTTTCCTTTTTTTCCTTGCAGAATCCAAGAAAA[CAG>C]GGGCCCGAAACCCAAGGCAGTACAGCAGAATTAATTACAGGGCTCGTCCAACTGGTCCCT-3'

ClinVar aggregate classification (germline): Pathogenic. Review status: criteria provided, multiple submitters, no conflicts (2 of 4 stars). 34 submissions from 34 submitters: Pathogenic (31). 3 of the submissions do not count toward it. Last evaluated 2026-06-18.

Conditions:
Pigmentary skin disorders.
NF1-related disorder. Also called: NF1-related condition. Identifiers: MedGen CN379171.
Hereditary cancer-predisposing syndrome. Also called: Hereditary neoplastic syndrome; Hereditary Cancer Syndrome; Neoplastic Syndromes, Hereditary; Tumor predisposition. Identifiers: Orphanet 140162, MedGen C0027672, MeSH D009386, MONDO:0015356.
Juvenile myelomonocytic leukemia (JMML). Also called: LEUKEMIA, JUVENILE MYELOMONOCYTIC, SOMATIC. Identifiers: Orphanet 86834, MedGen C0349639, MONDO:0011908, OMIM 607785, HP:0012209.
Neurofibromatosis, type 1 (NF1). Also called: Neurofibromatosis, type I; Peripheral type neurofibromatosis; VON RECKLINGHAUSEN DISEASE; NEUROFIBROMATOSIS, TYPE I, SOMATIC. Identifiers: Orphanet 636, MedGen C0027831, MONDO:0018975, OMIM 162200. Disease mechanism: loss of function.
Neurofibromatosis, familial spinal (FSNF). Identifiers: Orphanet 636, MedGen C1834235, MONDO:0008078, OMIM 162210. Disease mechanism: loss of function.
Café-au-lait macules with pulmonary stenosis (WTSN). Also called: PULMONIC STENOSIS WITH CAFE-AU-LAIT SPOTS. Identifiers: MedGen C0553586, MONDO:0008672, OMIM 193520.
Neurofibromatosis-Noonan syndrome (NFNS). Also called: NEUROFIBROMATOSIS WITH NOONAN PHENOTYPE. Identifiers: Orphanet 638, MedGen C2931482, MONDO:0011035, OMIM 601321. Disease mechanism: loss of function.

Allele frequency attached by ClinVar (database versions not stated): gnomAD exomes below 0.00001; gnomAD 0.00001.

Submissions 1 to 9 of 34:

Genetics Laboratory, Great Ormond Street Hospital NHS Foundation Trust, North Thames Genomic Laboratory Hub
Classification: Pathogenic for Pigmentary skin disorders. Last evaluated: 2026-06-18. Review status: criteria provided, single submitter. Criteria: ACGS Best Practice Guidelines for Variant Classification in Rare Disease 2024 v1.2. Collection method: clinical testing. Allele origin: germline. Affected: yes.
Comment: PS4_moderate, PM2_moderate, PVS1_very-strong

Institute of Human Genetics, University of Leipzig Medical Center
Classification: Pathogenic for Neurofibromatosis, type 1. Last evaluated: 2026-05-19. Review status: criteria provided, single submitter. Criteria: ACMG Guidelines, 2015. Collection method: clinical testing. Allele origin: maternal. Inheritance: Autosomal dominant inheritance. Affected: yes.
Comment: Criteria applied: PVS1,PS4

Department of Genetics, Sultan Qaboos University Hospital
Classification: Pathogenic for Neurofibromatosis, type 1. Last evaluated: 2026-04-01. Review status: criteria provided, single submitter. Criteria: ACMG Guidelines, 2015. Collection method: clinical testing. Allele origin: germline. Affected: yes. Observed: 1 variant allele.
Comment: PVS1,PM2,PP5_Very_Strong

Department of Molecular Genetics, Istishari Arab Hospital
Classification: Pathogenic for Neurofibromatosis, type 1. Last evaluated: 2026-03-03. Review status: criteria provided, single submitter. Criteria: ACMG Guidelines, 2015. Collection method: clinical testing. Allele origin: germline. Inheritance: Autosomal dominant inheritance. Affected: yes.
Comment: The NF1 variant c.1541_1542del p.(Gln514Argfs*43) creates a shift in the reading frame starting at codon 514. The new reading frame ends in a stop codon 42 positions downstream. The variant is observed at an extremely low frequency in the gnomAD v4.1.0 dataset (total allele frequency: <0.001%). According to HGMD Professional 2020.3, this variant has previously been described as disease-causing for Neurofibromatosis 1 (PMID: 8664912, 25788518, 27284375). It is classified as pathogenic (class 1) according to the recommendations of ACMG/AMP/ClinGen SVI guidelines

Labcorp Genetics (formerly Invitae), Labcorp
Classification: Pathogenic for Neurofibromatosis, type 1. Last evaluated: 2025-12-24. Review status: criteria provided, single submitter. Criteria: Invitae Variant Classification Sherloc (09022015). Collection method: clinical testing. Allele origin: germline.
Comment: This sequence change creates a premature translational stop signal (p.Gln514Argfs*43) in the NF1 gene. It is expected to result in an absent or disrupted protein product. Loss-of-function variants in NF1 are known to be pathogenic (PMID: 10712197, 23913538). This variant is not present in population databases (gnomAD no frequency). This premature translational stop signal has been observed in individual(s) with neurofibromatosis type 1 (PMID: 8664912, 17311297, 17914445, 18546366, 25788518, 26969325). Invitae Evidence Modeling of clinical and family history, age, sex, and reported ancestry of multiple individuals with this NF1 variant has been performed. This variant is expected to be pathogenic with a positive predictive value of at least 99%. This is a validated machine learning model that incorporates the clinical features of 1,785,918 individuals referred to our laboratory for NF1 testing. ClinVar contains an entry for this variant (Variation ID: 346). For these reasons, this variant has been classified as Pathogenic.

Myriad Genetics, Inc.
Classification: Pathogenic for Neurofibromatosis, type 1. Last evaluated: 2025-12-15. Review status: criteria provided, single submitter. Criteria: Myriad Autosomal Dominant, Autosomal Recessive and X-Linked Classification Criteria (2023). Collection method: clinical testing. Allele origin: unknown.
Comment: This variant is considered pathogenic. This variant creates a frameshift predicted to result in premature protein truncation.

ARUP Laboratories, Molecular Genetics and Genomics, ARUP Laboratories
Classification: Pathogenic. Last evaluated: 2025-05-19. Review status: criteria provided, single submitter. Criteria: ARUP Molecular Germline Variant Investigation Process 2024. Collection method: clinical testing. Allele origin: germline.
Comment: The NF1 c.1541_1542del; p.Gln514ArgfsTer43 variant (rs267606600) is reported in the medical literature in individuals and families affected with neurofibromatosis type 1 (Anastasaki 2015, Anastasaki 2017, Ars 2003, Brems 2009, De Schepper 2008, Hutter 2016, Lin 2018, Noe 2018, Ponti 2016, Pros 2008, Robinson 1996, Wang 2018, Whitworth 2018, Wimmer 2007). This variant is also reported in ClinVar (Variation ID: 346). It is absent from the Genome Aggregation Database (v2.1.1), indicating it is not a common polymorphism. This variant causes a frameshift by deleting two nucleotides, so it is predicted to result in a truncated protein or mRNA subject to nonsense-mediated decay. Based on available information, this variant is considered to be pathogenic. References: Anastasaki C et al. Elucidating the impact of neurofibromatosis-1 germline mutations on neurofibromin function and dopamine-based learning. Hum Mol Genet. 2015 Jun 15;24(12):3518-28. PMID: 25788518. Anastasaki C et al. Children with 5'-end NF1 gene mutations are more likely to have glioma. Neurol Genet. 2017 Sep 22;3(5):e192. PMID: 28955729. Ars E et al. Recurrent mutations in the NF1 gene are common among neurofibromatosis type 1 patients. J Med Genet. 2003 Jun;40(6):e82. PMID: 12807981. Brems H et al. Glomus tumors in neurofibromatosis type 1: genetic, functional, and clinical evidence of a novel association. Cancer Res. 2009 Sep 15;69(18):7393-401. PMID: 19738042. De Schepper S et al. Somatic mutation analysis in NF1 cafe au lait spots reveals two NF1 hits in the melanocytes. J Invest Dermatol. 2008 Apr;128(4):1050-3. PMID: 17914445. Hutter S et al. No correlation between NF1 mutation position and risk of optic pathway glioma in 77 unrelated NF1 patients. Hum Genet. 2016 May;135(5):469-75. PMID: 26969325. Lin F et al. THSD7A-associated membranous nephropathy in a patient with neurofibromatosis type 1. Eur J Med Genet. 2018 Feb;61(2):84-88. PMID: 29079545. Noe M et al. Whole-exome sequencing of duodenal neuroendocrine tumors in patients with neurofibromatosis type 1. Mod Pathol. 2018 Oct;31(10):1532-1538. PMID: 29849115. Ponti G et al. Giant elephantiasis neuromatosa in the setting of neurofibromatosis type 1: A case report. Oncol Lett. 2016 Jun;11(6):3709-3714. PMID: 27284375. Pros E et al. Nature and mRNA effect of 282 different NF1 point mutations: focus on splicing alterations. Hum Mutat. 2008 Sep;29(9):E173-93. PMID: 18546366. Robinson PN et al. Recurrent 2-bp deletion in exon 10c of the NF1 gene in two cases of von Recklinghausen neurofibromatosis. Hum Mutat. 1996;7(1):85-8. PMID: 8664912. Wang X et al. Breast cancer risk and germline genomic profiling of women with neurofibromatosis type 1 who developed breast cancer. Genes Chromosomes Cancer. 2018 Jan;57(1):19-27. PMID: 28891274. Whitworth J et al. Comprehensive Cancer-Predisposition Gene Testing in an Adult Multiple Primary Tumor Series Shows a Broad Range of Deleterious Variants and Atypical Tumor Phenotypes. Am J Hum Genet. 2018 Jul 5;103(1):3-18. PMID: 29909963. Wimmer K et al. Extensive in silico analysis of NF1 splicing defects uncovers determinants for splicing outcome upon 5' splice-site disruption. Hum Mutat. 2007 Jun;28(6):599-612. PMID: 17311297.

Laboratory of Genetics, Children's Clinical University Hospital Latvia
Classification: Pathogenic. Last evaluated: 2025-02-16. Review status: criteria provided, single submitter. Criteria: ACMG Guidelines, 2015. Collection method: clinical testing. Allele origin: germline. Affected: yes.

Quest Diagnostics Nichols Institute San Juan Capistrano
Classification: Pathogenic. Last evaluated: 2025-02-12. Review status: criteria provided, single submitter. Criteria: Quest Diagnostics criteria. Collection method: clinical testing. Allele origin: unknown.
Comment: The NF1 c.1541_1542del (p.Gln514Argfs*43) variant alters the translational reading frame of the NF1 mRNA and causes the premature termination of NF1 protein synthesis. This variant has been reported in the published literature in individuals with neurofibromatosis type 1 (PMID: 39033325 (2024), 37280783 (2023), 35979058 (2022), 26969325 (2016), 25788518 (2015), 18546366 (2008), 17914445 (2008), 17311297 (2007), 8664912 (1996)). This variant has not been reported in large, multi-ethnic general populations (Genome Aggregation Database). Based on the available information, this variant is classified as pathogenic.